The following is an entry in ClinVar:

NM_018319.4(TDP1):c.660-191C>T

Gene: TDP1 (tyrosyl-DNA phosphodiesterase 1; plus strand). Cytogenetic location: 14q32.11.
Variant type: single nucleotide variant.
Coding change: c.660-191C>T on transcript NM_018319.4 (MANE Select); 191 bases into the intron before coding-DNA position 660, C replaced by T.
Molecular consequence: intron variant.
Genome position (GRCh38, 1-based): chr14:89,970,984, C>T. VCF-style: chr14-89970984-C-T. GRCh37 (hg19) VCF-style: chr14-90437328-C-T.
Other names: c.660-191C>T (NM_001330205.2, NM_001008744.2).
Identifiers: ClinVar variation 1684079 (VCV001684079.2), dbSNP rs35992678, ClinGen allele CA14063470.

ClinVar aggregate classification (germline): Likely benign (1 of 4 stars; one submission).

Allele frequency attached by ClinVar (database versions not stated): 1000 Genomes Project 0.00659; 1000 Genomes Project 30x 0.00718; TOPMed 0.00868; gnomAD 0.00932 and 0.00955; gnomAD exomes 0.01496.
gnomAD v4.1: 1,814 of 177,244 alleles (1%); highest among the groups gnomAD compares: Middle Eastern, 1.9%; 18 homozygotes.

Submission:

GeneDx
Classification: Likely benign. Last evaluated: 2021-05-24. Review status: criteria provided, single submitter. Criteria: GeneDx Variant Classification Process June 2021. Collection method: clinical testing. Allele origin: germline. Affected: yes.
Comment: See Variant Classification Assertion Criteria.